The following is an entry in ClinVar:

NM_001261826.3(AP3D1):c.2650G>A (p.Ala884Thr)

Gene: AP3D1 (adaptor related protein complex 3 subunit delta 1; minus strand). Cytogenetic location: 19p13.3.
Variant type: single nucleotide variant.
Coding change: c.2650G>A on transcript NM_001261826.3 (MANE Select); coding-DNA position 2650, G replaced by A.
Protein change: p.Ala884Thr; replaces alanine 884 with threonine.
Molecular consequence: missense variant. On other transcripts: intron variant (1).
Genome position (GRCh38, 1-based): chr19:2,113,365, C>T on the plus strand (G>A on the coding strand, the complement: AP3D1 is on the minus strand). VCF-style: chr19-2113365-C-T. GRCh37 (hg19) VCF-style: chr19-2113364-C-T.
Other names: c.2650G>A, p.Ala884Thr (NM_001374799.1); c.2601+760G>A (NM_003938.8); short protein forms A884T.
Identifiers: ClinVar variation 1434293 (VCV001434293.8), dbSNP rs759993222, ClinGen allele CA9058786.
Genomic context (GRCh38, chr19:2,113,365, plus strand): 5'-GGCTGGCACTGGCCAGCTGCCAGTCTCTTACCGTGGATGGAACGGGGGCGGGGGCGGGGG[C>T]GGGGGCAGGCGGTGGGGTGGTAGACAGCCAGAAGTCCAGGTCCTCAGCCTGAAACCACAA-3'
Protein context (NP_001248755.1, residues 874-894): WLSTTPPPAP[Ala884Thr]PAPAPVPSTG

ClinVar aggregate classification (germline): Uncertain significance (1 of 4 stars; one submission).

Allele frequency attached by ClinVar (database versions not stated): gnomAD exomes 0.00002; gnomAD 0.00008; ExAC 0.00054.
gnomAD v4.1: 9 of 302,382 alleles (0.003%); highest among the groups gnomAD compares: Admixed American, 0.036%; no homozygotes.

Submission:

Labcorp Genetics (formerly Invitae), Labcorp
Classification: Uncertain significance. Last evaluated: 2024-11-16. Review status: criteria provided, single submitter. Criteria: Invitae Variant Classification Sherloc (09022015). Collection method: clinical testing. Allele origin: germline.
Comment: This sequence change replaces alanine, which is neutral and non-polar, with threonine, which is neutral and polar, at codon 884 of the AP3D1 protein (p.Ala884Thr). The frequency data for this variant in the population databases is considered unreliable, as metrics indicate poor data quality at this position in the gnomAD database. This variant has not been reported in the literature in individuals affected with AP3D1-related conditions. ClinVar contains an entry for this variant (Variation ID: 1434293). An algorithm developed to predict the effect of missense changes on protein structure and function outputs the following: PolyPhen-2: "Benign". The threonine amino acid residue is found in multiple mammalian species, which suggests that this missense change does not adversely affect protein function. In summary, the available evidence is currently insufficient to determine the role of this variant in disease. Therefore, it has been classified as a Variant of Uncertain Significance.